The following is an entry in ClinVar:

NM_004628.5(XPC):c.2043G>A (p.Val681=)

Gene: XPC (XPC complex subunit, DNA damage recognition and repair factor; minus strand). Cytogenetic location: 3p25.1.
Variant type: single nucleotide variant.
Coding change: c.2043G>A on transcript NM_004628.5 (MANE Select); coding-DNA position 2043, G replaced by A.
Protein change: p.Val681=; no amino-acid change (valine 681 retained).
Molecular consequence: synonymous variant. On other transcripts: non-coding transcript variant (2).
Genome position (GRCh38, 1-based): chr3:14,152,407, C>T on the plus strand (G>A on the coding strand, the complement: XPC is on the minus strand). VCF-style: chr3-14152407-C-T. GRCh37 (hg19) VCF-style: chr3-14193907-C-T.
Other names: c.1464G>A, p.Val488= (NM_001354726.2); c.2037G>A, p.Val679= (NM_001354727.2); c.2025G>A, p.Val675= (NM_001354729.2); c.1797G>A, p.Val599= (NM_001354730.2).
Identifiers: ClinVar variation 1088760 (VCV001088760.32), dbSNP rs756438962, ClinGen allele CA2267282.

ClinVar aggregate classification (germline): Likely benign. Review status: criteria provided, multiple submitters, no conflicts (2 of 4 stars). 2 submissions from 2 submitters: Likely benign (2). Last evaluated 2024-02-05.

Allele frequency attached by ClinVar (database versions not stated): gnomAD 0.00001; gnomAD exomes 0.00001 and 0.00003; ExAC 0.00002; TOPMed 0.00003.
gnomAD v4.1: 8 of 1,611,382 alleles (0.0005%); highest among the groups gnomAD compares: East Asian, 0.018%; no homozygotes.

Submissions (2):

Labcorp Genetics (formerly Invitae), Labcorp
Classification: Likely benign. Last evaluated: 2024-02-05. Review status: criteria provided, single submitter. Criteria: Invitae Variant Classification Sherloc (09022015). Collection method: clinical testing. Allele origin: germline.

CeGaT Center for Human Genetics Tuebingen
Classification: Likely benign. Last evaluated: 2023-07-01. Review status: criteria provided, single submitter. Criteria: CeGaT Center For Human Genetics Tuebingen Variant Classification Criteria Version 2. Collection method: clinical testing. Allele origin: germline. Affected: yes. Observed: 1 variant allele.
Comment: XPC: BP4, BP7